The following is an entry in ClinVar:

NM_001927.4(DES):c.40T>C (p.Tyr14His)

Gene: DES (desmin; plus strand). Cytogenetic location: 2q35.
Variant type: single nucleotide variant.
Coding change: c.40T>C on transcript NM_001927.4 (MANE Select); coding-DNA position 40, T replaced by C.
Protein change: p.Tyr14His; replaces tyrosine 14 with histidine.
Molecular consequence: missense variant.
Genome position (GRCh38, 1-based): chr2:219,418,502, T>C. VCF-style: chr2-219418502-T-C. GRCh37 (hg19) VCF-style: chr2-220283224-T-C.
Other names: c.40T>C, p.Tyr14His (NM_001382708.1, NM_001382709.1, NM_001382710.1 and 3 more transcripts); short protein forms Y14H.
Identifiers: ClinVar variation 1415375 (VCV001415375.9), dbSNP rs750819338, ClinGen allele CA2125006.

ClinVar aggregate classification (germline): Uncertain significance. Review status: criteria provided, multiple submitters, no conflicts (2 of 4 stars). 3 submissions from 3 submitters: Uncertain significance (3). Last evaluated 2026-02-10.

Conditions:
Desmin-related myofibrillar myopathy (MFM1). Also called: Desminopathy; Desmin related myopathy (former name); Desmin storage myopathy (former name); Myofibrillar myopathy 1; MYOFIBRILLAR MYOPATHY WITH ARRHYTHMOGENIC RIGHT VENTRICULAR CARDIOMYOPATHY; DESMIN-RELATED MYOPATHY WITH ARRHYTHMOGENIC RIGHT VENTRICULAR CARDIOMYOPATHY. Identifiers: Orphanet 363543, Orphanet 98909, MedGen C1832370, MONDO:0011076, OMIM 601419.
Cardiovascular phenotype. Identifiers: MedGen CN230736.

Allele frequency attached by ClinVar (database versions not stated): ExAC 0.00002; gnomAD exomes 0.00006 and below 0.00001; TOPMed 0.00001; gnomAD 0.00002.
gnomAD v4.1: 93 of 1,602,704 alleles (0.0058%); highest among the groups gnomAD compares: Non-Finnish European, 0.0078%; no homozygotes.

Submissions (3):

GeneDx
Classification: Uncertain significance. Last evaluated: 2026-02-10. Review status: criteria provided, single submitter. Criteria: GeneDx Variant Classification Process June 2021. Collection method: clinical testing. Allele origin: germline.
Comment: Not observed at significant frequency in large population cohorts (gnomAD); In silico analysis supports that this missense variant has a deleterious effect on protein structure/function; Has not been previously published as pathogenic or benign to our knowledge; This variant is associated with the following publications: (PMID: 26807690)

Labcorp Genetics (formerly Invitae), Labcorp
Classification: Uncertain significance for Desmin-related myofibrillar myopathy. Last evaluated: 2024-08-11. Review status: criteria provided, single submitter. Criteria: Invitae Variant Classification Sherloc (09022015). Collection method: clinical testing. Allele origin: germline.
Comment: This sequence change replaces tyrosine, which is neutral and polar, with histidine, which is basic and polar, at codon 14 of the DES protein (p.Tyr14His). This variant is present in population databases (rs750819338, gnomAD 0.003%). This variant has not been reported in the literature in individuals affected with DES-related conditions. ClinVar contains an entry for this variant (Variation ID: 1415375). Advanced modeling of protein sequence and biophysical properties (such as structural, functional, and spatial information, amino acid conservation, physicochemical variation, residue mobility, and thermodynamic stability) has been performed at Invitae for this missense variant, however the output from this modeling did not meet the statistical confidence thresholds required to predict the impact of this variant on DES protein function. In summary, the available evidence is currently insufficient to determine the role of this variant in disease. Therefore, it has been classified as a Variant of Uncertain Significance.

Ambry Genetics
Classification: Uncertain significance for Cardiovascular phenotype. Last evaluated: 2022-05-17. Review status: criteria provided, single submitter. Criteria: Ambry Variant Classification Scheme 2023. Collection method: clinical testing. Allele origin: germline.
Comment: The p.Y14H variant (also known as c.40T>C), located in coding exon 1 of the DES gene, results from a T to C substitution at nucleotide position 40. The tyrosine at codon 14 is replaced by histidine, an amino acid with similar properties. This amino acid position is highly conserved in available vertebrate species. In addition, this alteration is predicted to be deleterious by in silico analysis. Since supporting evidence is limited at this time, the clinical significance of this alteration remains unclear.